The following is an entry in ClinVar:

ClinVar aggregate classification (germline): Conflicting classifications of pathogenicity. Review status: criteria provided, conflicting classifications (1 of 4 stars). 3 submissions from 3 submitters: Uncertain significance (2); Benign (1). Last evaluated 2026-02-01.

Conditions:
Inborn genetic diseases. Identifiers: MedGen C0950123, MeSH D030342.

Allele frequency attached by ClinVar (database versions not stated): gnomAD exomes 0.00032 and 0.00013; gnomAD 0.00013; TOPMed 0.00017; ExAC 0.00037.

Submissions (3):

Labcorp Genetics (formerly Invitae), Labcorp
Classification: Benign. Last evaluated: 2026-02-01. Review status: criteria provided, single submitter. Criteria: Invitae Variant Classification Sherloc (09022015). Collection method: clinical testing. Allele origin: germline.

Ambry Genetics
Classification: Uncertain significance for Inborn genetic diseases. Last evaluated: 2022-04-28. Review status: criteria provided, single submitter. Criteria: Ambry Variant Classification Scheme 2023. Collection method: clinical testing. Allele origin: germline.

Laboratory for Molecular Medicine, Mass General Brigham Personalized Medicine
Classification: Uncertain significance. Last evaluated: 2014-09-12. Review status: criteria provided, single submitter. Criteria: LMM Criteria. Collection method: clinical testing. Allele origin: germline. Observed: 2 variant alleles.
Comment: Computational prediction tools and conservation analyses do not provide strong support for or against an impact to the protein. In summary, the clinical significance of the Pro169Leu variant is uncertain.

NM_000307.5(POU3F4):c.506C>T (p.Pro169Leu)

Gene: POU3F4 (POU class 3 homeobox 4; plus strand). Cytogenetic location: Xq21.1.
Variant type: single nucleotide variant.
Coding change: c.506C>T on transcript NM_000307.5 (MANE Select); coding-DNA position 506, C replaced by T.
Protein change: p.Pro169Leu; replaces proline 169 with leucine.
Molecular consequence: missense variant.
Genome position (GRCh38, 1-based): chrX:83,508,830, C>T. VCF-style: chrX-83508830-C-T. GRCh37 (hg19) VCF-style: chrX-82763838-C-T.
Other names: short protein forms P169L.
Identifiers: ClinVar variation 43348 (VCV000043348.10), dbSNP rs200696740, ClinGen allele CA132458.
Genomic context (GRCh38, chrX:83,508,830, plus strand): 5'-GACTCACCCCACCTCCAGCTGCCGCCTCTGCACAGAGCCTGCACCCGGTGCTCCGAGAGC[C>T]CCCGGATCACGGCGAACTGGGCTCGCACCATTGCCAGGATCACTCCGACGAGGAGACGCC-3'
Protein context (NP_000298.3, residues 159-179): AQSLHPVLRE[Pro169Leu]PDHGELGSHH